The following is an entry in ClinVar:

NM_001165963.4(SCN1A):c.3994G>A (p.Gly1332Arg)

Genes: SCN1A (sodium voltage-gated channel alpha subunit 1; minus strand), LOC102724058 (uncharacterized LOC102724058; plus strand). Cytogenetic location: 2q24.3.
Variant type: single nucleotide variant.
Coding change: c.3994G>A on transcript NM_001165963.4 (MANE Select); coding-DNA position 3994, G replaced by A.
Protein change: p.Gly1332Arg; replaces glycine 1332 with arginine.
Molecular consequence: missense variant. On other transcripts: non-coding transcript variant (1).
Genome position (GRCh38, 1-based): chr2:166,009,727, C>T on the plus strand (G>A on the coding strand, the complement: SCN1A is on the minus strand). VCF-style: chr2-166009727-C-T. GRCh37 (hg19) VCF-style: chr2-166866237-C-T.
Other names: c.3910G>A, p.Gly1304Arg (NM_001165964.3, NM_001353957.2, NM_001353958.2); c.3994G>A, p.Gly1332Arg (NM_001202435.3, NM_001353948.2); c.3961G>A, p.Gly1321Arg (NM_001353949.2, NM_001353950.2, NM_001353951.2 and 2 more transcripts); c.3958G>A, p.Gly1320Arg (NM_001353954.2, NM_001353955.2); c.3907G>A, p.Gly1303Arg (NM_001353960.2); c.1552G>A, p.Gly518Arg (NM_001353961.2); short protein forms G1303R, G1304R, G1320R, G1321R, G1332R, G518R.
Identifiers: ClinVar variation 4682184 (VCV004682184.1).

ClinVar aggregate classification (germline): Uncertain significance (1 of 4 stars; one submission).

Submission:

Athena Diagnostics
Classification: Uncertain significance. Last evaluated: 2025-06-09. Review status: criteria provided, single submitter. Criteria: Athena Diagnostics Criteria. Collection method: clinical testing. Allele origin: unknown.
Comment: Available data are insufficient to determine the clinical significance of the variant at this time. This variant has not been reported in large, multi-ethnic general populations. Polyphen and MutationTaster predict this amino acid change may be damaging to the protein. At least one other missense variant at this codon is considered to be pathogenic or likely pathogenic, suggesting this variant may also cause disease.